The following is an entry in ClinVar:

NM_001112741.2(KCNC1):c.1182C>T (p.Ala394=)

Gene: KCNC1 (potassium voltage-gated channel subfamily C member 1; plus strand). Cytogenetic location: 11p15.1.
Variant type: single nucleotide variant.
Coding change: c.1182C>T on transcript NM_001112741.2 (MANE Select); coding-DNA position 1182, C replaced by T.
Protein change: p.Ala394=; no amino-acid change (alanine 394 retained).
Molecular consequence: synonymous variant.
Genome position (GRCh38, 1-based): chr11:17,772,276, C>T. VCF-style: chr11-17772276-C-T. GRCh37 (hg19) VCF-style: chr11-17793823-C-T.
Other names: c.1182C>T, p.Ala394= (NM_004976.4).
Identifiers: ClinVar variation 1111289 (VCV001111289.13), dbSNP rs148132957, ClinGen allele CA5906782.

ClinVar aggregate classification (germline): Likely benign. Review status: criteria provided, multiple submitters, no conflicts (2 of 4 stars). 3 submissions from 3 submitters: Likely benign (2). 1 of the submissions does not count toward it. Last evaluated 2026-01-19.

Conditions:
Progressive myoclonic epilepsy type 7. Identifiers: Orphanet 435438, MedGen C4015420, MONDO:0014521, OMIM 616187.
KCNC1-related disorder. Also called: KCNC1-related condition; KCNC1-Related Disorders. Identifiers: MedGen CN381541.

Allele frequency attached by ClinVar (database versions not stated): ExAC 0.00002; gnomAD exomes 0.00003; gnomAD 0.00004 and 0.00005; TOPMed 0.00006; ESP Exome Variant Server 0.00015.
gnomAD v4.1: 21 of 1,614,044 alleles (0.0013%); highest among the groups gnomAD compares: African/African-American, 0.016%; no homozygotes.

Submissions (3):

Labcorp Genetics (formerly Invitae), Labcorp
Classification: Likely benign for Progressive myoclonic epilepsy type 7. Last evaluated: 2026-01-19. Review status: criteria provided, single submitter. Criteria: Invitae Variant Classification Sherloc (09022015). Collection method: clinical testing. Allele origin: germline.

GeneDx
Classification: Likely benign. Last evaluated: 2020-03-13. Review status: criteria provided, single submitter. Criteria: GeneDx Variant Classification Process June 2021. Collection method: clinical testing. Allele origin: germline. Affected: yes.

PreventionGenetics, part of Exact Sciences
Classification: Likely benign for KCNC1-related condition. Last evaluated: 2019-10-28. Review status: no assertion criteria provided. Collection method: clinical testing. Allele origin: germline. Not counted in ClinVar's aggregate classification.
Comment: This variant is classified as likely benign based on ACMG/AMP sequence variant interpretation guidelines (Richards et al. 2015 PMID: 25741868, with internal and published modifications).